The following is an entry in ClinVar:

ClinVar aggregate classification (germline): Likely benign (1 of 4 stars; one submission).

gnomAD v4.1: 196 of 1,612,196 alleles (0.012%); highest among the groups gnomAD compares: Admixed American, 0.038%; no homozygotes.

Submission:

CeGaT Center for Human Genetics Tuebingen
Classification: Likely benign. Last evaluated: 2026-07-01. Review status: criteria provided, single submitter. Criteria: CeGaT Center For Human Genetics Tuebingen Variant Classification Criteria Version 2. Collection method: clinical testing. Allele origin: germline. Affected: yes. Observed: 1 variant allele.
Comment: UROC1: BP4, BP7

NM_144639.3(UROC1):c.1521C>T (p.Ser507=)

Gene: UROC1 (urocanate hydratase 1; minus strand). Cytogenetic location: 3q21.3.
Variant type: single nucleotide variant.
Coding change: c.1521C>T on transcript NM_144639.3 (MANE Select); coding-DNA position 1521, C replaced by T.
Protein change: p.Ser507=; no amino-acid change (serine 507 retained).
Molecular consequence: synonymous variant.
Genome position (GRCh38, 1-based): chr3:126,492,505, G>A on the plus strand (C>T on the coding strand, the complement: UROC1 is on the minus strand). VCF-style: chr3-126492505-G-A. GRCh37 (hg19) VCF-style: chr3-126211348-G-A.
Other names: c.1701C>T, p.Ser567= (NM_001165974.2).
Identifiers: ClinVar variation 5038989 (VCV005038989.1).